The following is an entry in ClinVar:

NM_017612.5(ZCCHC8):c.1304G>C (p.Ser435Thr)

Gene: ZCCHC8 (zinc finger CCHC-type containing 8; minus strand). Cytogenetic location: 12q24.31.
Variant type: single nucleotide variant.
Coding change: c.1304G>C on transcript NM_017612.5 (MANE Select); coding-DNA position 1304, G replaced by C.
Protein change: p.Ser435Thr; replaces serine 435 with threonine.
Molecular consequence: missense variant.
Genome position (GRCh38, 1-based): chr12:122,477,882, C>G on the plus strand (G>C on the coding strand, the complement: ZCCHC8 is on the minus strand). VCF-style: chr12-122477882-C-G. GRCh37 (hg19) VCF-style: chr12-122962429-C-G.
Other names: c.1073G>C, p.Ser358Thr (NM_001350935.2); c.1007G>C, p.Ser336Thr (NM_001350936.2); c.590G>C, p.Ser197Thr (NM_001350937.2, NM_001350938.2); short protein forms S358T, S435T, S197T, S336T.
Identifiers: ClinVar variation 4767225 (VCV004767225.1).
Genomic context (GRCh38, chr12:122,477,882, plus strand): 5'-GCCATAGGATGAAACCTACCTGAATCGAGCTCCATGTCGGCGGGAGATCCCGCTGAGTTG[C>G]TTTCATTCTTCTGCTTCTTTGGACTACCTGGGCTAGAGTGAGATGAAGACCTCTTGTTGC-3'
Protein context (NP_060082.2, residues 425-445): PGSPKKQKNE[Ser435Thr]NSAGSPADME

ClinVar aggregate classification (germline): Uncertain significance (1 of 4 stars; one submission).

gnomAD v4.1: 1 of 1,613,458 alleles (0.000062%); highest among the groups gnomAD compares: Non-Finnish European, 0.000085%; no homozygotes.

Submission:

Labcorp Genetics (formerly Invitae), Labcorp
Classification: Uncertain significance. Last evaluated: 2025-11-13. Review status: criteria provided, single submitter. Criteria: Invitae Variant Classification Sherloc (09022015). Collection method: clinical testing. Allele origin: germline.
Comment: This sequence change replaces serine, which is neutral and polar, with threonine, which is neutral and polar, at codon 435 of the ZCCHC8 protein (p.Ser435Thr). This variant is not present in population databases (gnomAD no frequency). This variant has not been reported in the literature in individuals affected with ZCCHC8-related conditions. Invitae Evidence Modeling of protein sequence and biophysical properties (such as structural, functional, and spatial information, amino acid conservation, physicochemical variation, residue mobility, and thermodynamic stability) indicates that this missense variant is not expected to disrupt ZCCHC8 protein function with a negative predictive value of 80%. In summary, the available evidence is currently insufficient to determine the role of this variant in disease. Therefore, it has been classified as a Variant of Uncertain Significance.